The following is an entry in ClinVar:

NM_004444.5(EPHB4):c.2044G>A (p.Val682Met)

Gene: EPHB4 (EPH receptor B4; minus strand). Cytogenetic location: 7q22.1.
Variant type: single nucleotide variant.
Coding change: c.2044G>A on transcript NM_004444.5 (MANE Select); coding-DNA position 2044, G replaced by A.
Protein change: p.Val682Met; replaces valine 682 with methionine.
Molecular consequence: missense variant.
Genome position (GRCh38, 1-based): chr7:100,812,821, C>T on the plus strand (G>A on the coding strand, the complement: EPHB4 is on the minus strand). VCF-style: chr7-100812821-C-T. GRCh37 (hg19) VCF-style: chr7-100410443-C-T.
Other names: short protein forms V682M.
Identifiers: ClinVar variation 1342553 (VCV001342553.1), dbSNP rs2116431583, ClinGen allele CA368570115.
Genomic context (GRCh38, chr7:100,812,821, plus strand): 5'-CCAGGGCGCCGTTCTCCATGAACTCTGTGAGAATCATGACGGGCATGCTGTTGGTGACCA[C>T]GCCCTCCAGGCGGATGATATTGGGGTGCTCGAACTGGCCCATGATGGAGGCCTCGCTCAG-3'
Protein context (NP_004435.3, residues 672-692): EHPNIIRLEG[Val682Met]VTNSMPVMIL

ClinVar aggregate classification (germline): Likely pathogenic (1 of 4 stars; one submission).

Conditions:
Capillary malformation-arteriovenous malformation 2 (CMAVM2). Identifiers: Orphanet 693912, MedGen C4748670, MONDO:0020785, OMIM 618196.

Submission:

New York Genome Center
Classification: Likely pathogenic for Capillary malformation-arteriovenous malformation 2. Last evaluated: 2021-04-16. Review status: criteria provided, single submitter. Criteria: NYGC Assertion Criteria 2020. Collection method: clinical testing. Allele origin: de novo. Observed: 1 heterozygote. Study: CSER-NYCKidSeq.
Comment: The de novo heterozygous c.2044G>A (p.Val682Met) variant identified in the EPHB4 gene has not been reported in affected individuals in the literature. The variant is absent from the gnomAD(v3) database suggesting it is not a common benign variant in the populations represented in that database. The variant affects an evolutionarily conserved residue and is predicted deleterious by multiple in silico prediction tools. Based on the available evidence, the de novo heterozygous c.2044G>A (p.Val682Met) variant identified in the EPHB4 gene is reported as likely pathogenic.